The following is an entry in ClinVar:

ClinVar aggregate classification (germline): Uncertain significance. Review status: criteria provided, multiple submitters, no conflicts (2 of 4 stars). 3 submissions from 3 submitters: Uncertain significance (2). 1 of the submissions does not count toward it. Last evaluated 2024-02-24.

Conditions:
Metaphyseal chondrodysplasia, McKusick type (CHH). Also called: Cartilage-Hair Hypoplasia (CHH); Cartilage-hair hypoplasia. Identifiers: Orphanet 175, MedGen C0220748, MONDO:0009595, OMIM 250250.
Anauxetic dysplasia 1 (ANXD1). Also called: Anauxetic Dysplasia (AD). Identifiers: Orphanet 93347, MedGen C4551965, MONDO:0054560, OMIM 607095.
Metaphyseal dysplasia without hypotrichosis. Also called: Metaphyseal Dysplasia without Hypotrichosis (MDWH); CARTILAGE-HAIR HYPOPLASIA VARIANT, SKELETAL MANIFESTATIONS ONLY; CARTILAGE-HAIR HYPOPLASIA-LIKE SKELETAL DYSPLASIA WITHOUT HYPOTRICHOSIS OR IMMUNODEFICIENCY. Identifiers: MedGen C1834821, MONDO:0009601, OMIM 250460.
Anauxetic dysplasia. Identifiers: Orphanet 93347, MedGen C1846796, MONDO:0011773.

Allele frequency attached by ClinVar (database versions not stated): gnomAD 0.00003.

Submissions (3):

Labcorp Genetics (formerly Invitae), Labcorp
Classification: Uncertain significance for Anauxetic dysplasia. Last evaluated: 2024-02-24. Review status: criteria provided, single submitter. Criteria: Invitae Variant Classification Sherloc (09022015). Collection method: clinical testing. Allele origin: germline.
Comment: This variant occurs in the RMRP gene, which encodes an RNA molecule that does not result in a protein product. This variant is present in population databases (rs563106486, gnomAD 0.01%). This variant has not been reported in the literature in individuals affected with RMRP-related conditions. ClinVar contains an entry for this variant (Variation ID: 644504). Experimental studies and prediction algorithms are not available or were not evaluated, and the functional significance of this variant is currently unknown. In summary, the available evidence is currently insufficient to determine the role of this variant in disease. Therefore, it has been classified as a Variant of Uncertain Significance.

Fulgent Genetics
Classification: Uncertain significance for Metaphyseal chondrodysplasia, McKusick type; Metaphyseal dysplasia without hypotrichosis; Anauxetic dysplasia 1. Last evaluated: 2022-02-08. Review status: criteria provided, single submitter. Criteria: ACMG Guidelines, 2015. Collection method: clinical testing. Allele origin: unknown.

Natera, Inc.
Classification: Uncertain significance for Cartilage-hair hypoplasia. Last evaluated: 2021-01-20. Review status: no assertion criteria provided. Collection method: clinical testing. Allele origin: germline. Not counted in ClinVar's aggregate classification.

NC_000009.12:g.35658039T>G

Gene: RMRP (RNA component of mitochondrial RNA processing endoribonuclease; minus strand). Cytogenetic location: 9p13.3.
Variant type: single nucleotide variant.
Genome position: GRCh38 VCF-style: chr9-35658039-T-G. GRCh37 (hg19) VCF-style: chr9-35658036-T-G.
Identifiers: ClinVar variation 644504 (VCV000644504.7), dbSNP rs563106486, ClinGen allele CA192745777.